The following is an entry in ClinVar:

ClinVar aggregate classification (germline): Pathogenic/Likely pathogenic. Review status: criteria provided, multiple submitters, no conflicts (2 of 4 stars). 9 submissions from 9 submitters: Pathogenic (5); Likely pathogenic (2). 2 of the submissions do not count toward it. Last evaluated 2025-12-15.

Conditions:
VPS13B-related disorder. Also called: VPS13B-related condition.
Cohen syndrome (COH1). Also called: Cutis verticis gyrata, retinitis pigmentosa, and sensorineural deafness; PEPPER SYNDROME. Identifiers: Orphanet 193, MedGen C0265223, MONDO:0008999, OMIM 216550.

Submissions (9):

Labcorp Genetics (formerly Invitae), Labcorp
Classification: Pathogenic for Cohen syndrome. Last evaluated: 2025-12-15. Review status: criteria provided, single submitter. Criteria: Invitae Variant Classification Sherloc (09022015). Collection method: clinical testing. Allele origin: germline.
Comment: This sequence change creates a premature translational stop signal (p.Thr301Valfs*7) in the VPS13B gene. It is expected to result in an absent or disrupted protein product. Loss-of-function variants in VPS13B are known to be pathogenic (PMID: 15141358, 16648375, 20461111). This variant is present in population databases (rs759536357, gnomAD 0.004%). This variant has not been reported in the literature in individuals affected with VPS13B-related conditions. ClinVar contains an entry for this variant (Variation ID: 370733). For these reasons, this variant has been classified as Pathogenic.

Natera, Inc.
Classification: Pathogenic for Cohen syndrome. Last evaluated: 2025-01-30. Review status: criteria provided, single submitter. Criteria: Natera Variant Classification Schema (03/2026). Collection method: clinical testing. Allele origin: germline.
Comment: The c.901_904delACTT variant in VPS13B is a frameshift variant predicted to shift the reading frame beginning at codon 301 and leads to a stop codon 7 codons downstream. This variant is expected to result in nonsense mediated decay, truncation, or a dysfunctional protein product. This variant is rare in the general population with a frequency below the threshold expected for the associated phenotype(s). This variant has been observed in one or more individuals affected with the associated recessive disease, as either homozygous or compound heterozygous with a second variant (PMID: 35599849). Given the available evidence, this variant is classified as Pathogenic.

Women's Health and Genetics/Laboratory Corporation of America, LabCorp
Classification: Pathogenic for Cohen syndrome. Last evaluated: 2024-08-16. Review status: criteria provided, single submitter. Criteria: LabCorp Variant Classification Summary - May 2015. Collection method: clinical testing. Allele origin: germline.
Comment: Variant summary: VPS13B c.901_904delACTT (p.Thr301ValfsX7) results in a premature termination codon, predicted to cause a truncation of the encoded protein or absence of the protein due to nonsense mediated decay, which are commonly known mechanisms for disease. The variant allele was found at a frequency of 2e-05 in 250904 control chromosomes. The available data on variant occurrences in the general population are insufficient to allow any conclusion about variant significance. c.901_904delACTT has been reported in the literature in at least one individual affected with Cohen Syndrome (e.g., Eliott_2022). The following publication has been ascertained in the context of this evaluation (PMID: 35599849). ClinVar contains an entry for this variant (Variation ID: 370733). Based on the evidence outlined above, the variant was classified as pathogenic.

New York Genome Center
Classification: Likely pathogenic for Cohen syndrome. Last evaluated: 2022-06-06. Review status: criteria provided, single submitter. Criteria: NYGC Assertion Criteria 2020. Collection method: clinical testing. Allele origin: germline. Observed: 1 heterozygote.

CeGaT Center for Human Genetics Tuebingen
Classification: Pathogenic. Last evaluated: 2022-04-01. Review status: criteria provided, single submitter. Criteria: CeGaT Center For Human Genetics Tuebingen Variant Classification Criteria Version 2. Collection method: clinical testing. Allele origin: germline. Affected: yes. Observed: 2 variant alleles.

Blueprint Genetics
Classification: Pathogenic for VPS13B-related disorders. Last evaluated: 2021-10-29. Review status: criteria provided, single submitter. Criteria: ACMG Guidelines, 2015. Collection method: clinical testing. Allele origin: germline. Affected: yes. Observed: 4 variant alleles.

GeneDx
Classification: Likely pathogenic. Last evaluated: 2021-07-31. Review status: criteria provided, single submitter. Criteria: GeneDx Variant Classification Process June 2021. Collection method: clinical testing. Allele origin: germline. Affected: yes.
Comment: Reported as a likely pathogenic variant in a healthy individual enrolled in a preconception carrier screening study (Capalbo A et al., 2019); Frameshift variant predicted to result in protein truncation or nonsense mediated decay in a gene for which loss-of-function is a known mechanism of disease; Not observed at significant frequency in large population cohorts (Lek et al., 2016); This variant is associated with the following publications: (PMID: 31589614)

Molecular Genetics Laboratory, BC Children's and BC Women's Hospitals
Classification: Pathogenic for Cohen syndrome. Last evaluated: 2017-12-11. Review status: no assertion criteria provided. Criteria: ACMG Guidelines, 2015. Collection method: clinical testing. Allele origin: germline. Affected: yes. Not counted in ClinVar's aggregate classification.

Counsyl
Classification: Likely pathogenic for Cohen syndrome. Last evaluated: 2016-04-01. Review status: no assertion criteria provided. Collection method: clinical testing. Allele origin: unknown. Not counted in ClinVar's aggregate classification.

Literature cited by the submitters: PubMed 15141358 (cited by Labcorp Genetics (formerly Invitae), Labcorp); PubMed 16648375 (cited by Labcorp Genetics (formerly Invitae), Labcorp); PubMed 20461111 (cited by Labcorp Genetics (formerly Invitae), Labcorp); PubMed 35599849 (cited by Natera, Inc. and Women's Health and Genetics/Laboratory Corporation of America, LabCorp).

NM_152564.5(VPS13B):c.901_904del (p.Thr301fs)

Gene: VPS13B (vacuolar protein sorting 13 homolog B; plus strand). Cytogenetic location: 8q22.2.
Variant type: Deletion.
Coding change: c.901_904del on transcript NM_152564.5 (MANE Select); coding-DNA positions 901 to 904, 4 bases deleted (ACTT; older notation c.901_904delACTT).
Protein change: p.Thr301fs; shifts the reading frame from threonine 301.
Molecular consequence: frameshift variant. On other transcripts: non-coding transcript variant (1).
Genome position (GRCh38, 1-based): chr8:99,115,838-99,115,841, ACTT deleted; deleting any 4 consecutive bases within chr8:99,115,835-99,115,841 gives the same sequence; the c. name uses the placement nearest the transcript's 3' end. VCF-style (leftmost placement, unchanged base first): chr8-99115834-CCTTA-C. GRCh37 (hg19) VCF-style: chr8-100128062-CCTTA-C.
Other names: c.901_904del, p.Thr301fs (NM_015243.3, NM_017890.5, NM_181661.3); c.901_904del (NM_152564.4, NM_017890.3); c.901_904delACTT (NM_017890.4, NM_017890.5); short protein forms T301fs.
Identifiers: ClinVar variation 370733 (VCV000370733.51), dbSNP rs759536357, ClinGen allele CA4822497.